The following is an entry in ClinVar:

ClinVar aggregate classification (germline): Uncertain significance (1 of 4 stars; one submission).

Conditions:
Cardiovascular phenotype. Identifiers: MedGen CN230736.

gnomAD v4.1: 2 of 1,550,324 alleles (0.00013%); highest among the groups gnomAD compares: Non-Finnish European, 0.00017%; no homozygotes.

Submission:

Ambry Genetics
Classification: Uncertain significance for Cardiovascular phenotype. Last evaluated: 2024-03-27. Review status: criteria provided, single submitter. Criteria: Ambry Variant Classification Scheme 2023. Collection method: clinical testing. Allele origin: germline.
Comment: The p.D2227V variant (also known as c.6680A>T), located in coding exon 2 of the ZNF469 gene, results from an A to T substitution at nucleotide position 6680. The aspartic acid at codon 2227 is replaced by valine, an amino acid with highly dissimilar properties. This amino acid position is conserved. In addition, this alteration is predicted to be tolerated by in silico analysis. Based on the available evidence, the clinical significance of this alteration remains unclear.

NM_001367624.2(ZNF469):c.6764A>T (p.Asp2255Val)

Gene: ZNF469 (zinc finger protein 469; plus strand). Cytogenetic location: 16q24.2.
Variant type: single nucleotide variant.
Coding change: c.6764A>T on transcript NM_001367624.2 (MANE Select); coding-DNA position 6764, A replaced by T.
Protein change: p.Asp2255Val; replaces aspartic acid 2255 with valine.
Molecular consequence: missense variant.
Genome position (GRCh38, 1-based): chr16:88,434,234, A>T. VCF-style: chr16-88434234-A-T. GRCh37 (hg19) VCF-style: chr16-88500642-A-T.
Other names: NM_001127464.1:c.6680A>T; short protein forms D2255V.
Identifiers: ClinVar variation 3258218 (VCV003258218.1).